The following is an entry in ClinVar:

NM_001042492.3(NF1):c.1228C>T (p.Leu410=)

Gene: NF1 (neurofibromin 1; plus strand). Cytogenetic location: 17q11.2.
Variant type: single nucleotide variant.
Coding change: c.1228C>T on transcript NM_001042492.3 (MANE Select); coding-DNA position 1228, C replaced by T.
Protein change: p.Leu410=; no amino-acid change (leucine 410 retained).
Molecular consequence: synonymous variant.
Genome position (GRCh38, 1-based): chr17:31,201,453, C>T. VCF-style: chr17-31201453-C-T. GRCh37 (hg19) VCF-style: chr17-29528471-C-T.
Other names: c.1228C>T, p.Leu410= (NM_000267.4, NM_001128147.3).
Identifiers: ClinVar variation 1576952 (VCV001576952.11), dbSNP rs2143886319, ClinGen allele CA499220572.

ClinVar aggregate classification (germline): Benign/Likely benign. Review status: criteria provided, multiple submitters, no conflicts (2 of 4 stars). 3 submissions from 3 submitters: Benign (1); Likely benign (2). Last evaluated 2026-05-15.

Conditions:
Hereditary cancer-predisposing syndrome. Also called: Neoplastic Syndromes, Hereditary; Tumor predisposition; Hereditary Cancer Syndrome; Hereditary neoplastic syndrome. Identifiers: Orphanet 140162, MedGen C0027672, MeSH D009386, MONDO:0015356.
Cardiovascular phenotype. Identifiers: MedGen CN230736.
Neurofibromatosis, type 1 (NF1). Also called: VON RECKLINGHAUSEN DISEASE; Neurofibromatosis, type I; NEUROFIBROMATOSIS, TYPE I, SOMATIC; Peripheral type neurofibromatosis. Identifiers: Orphanet 636, MedGen C0027831, MONDO:0018975, OMIM 162200. Disease mechanism: loss of function.

Submissions (3):

Myriad Genetics, Inc.
Classification: Benign for Neurofibromatosis, type 1. Last evaluated: 2026-05-15. Review status: criteria provided, single submitter. Criteria: Myriad Autosomal Dominant, Autosomal Recessive and X-Linked Classification Criteria (2023). Collection method: clinical testing. Allele origin: unknown.
Comment: This variant is considered benign. This variant is a silent/synonymous amino acid change and it is not expected to impact splicing.

Labcorp Genetics (formerly Invitae), Labcorp
Classification: Likely benign for Neurofibromatosis, type 1. Last evaluated: 2025-04-29. Review status: criteria provided, single submitter. Criteria: Invitae Variant Classification Sherloc (09022015). Collection method: clinical testing. Allele origin: germline.

Ambry Genetics
Classification: Likely benign for Cardiovascular phenotype; Hereditary cancer-predisposing syndrome. Last evaluated: 2020-08-31. Review status: criteria provided, single submitter. Criteria: Ambry Variant Classification Scheme 2023. Collection method: clinical testing. Allele origin: germline.